The following is an entry in ClinVar:

NM_005159.5(ACTC1):c.421G>C (p.Val141Leu)

Genes: ACTC1 (actin alpha cardiac muscle 1; minus strand), GJD2-DT (GJD2 divergent transcript; plus strand). Cytogenetic location: 15q14.
Variant type: single nucleotide variant.
Coding change: c.421G>C on transcript NM_005159.5 (MANE Select); coding-DNA position 421, G replaced by C.
Protein change: p.Val141Leu; replaces valine 141 with leucine.
Molecular consequence: missense variant. On other transcripts: intron variant (1).
Genome position (GRCh38, 1-based): chr15:34,793,278, C>G on the plus strand (G>C on the coding strand, the complement: ACTC1 is on the minus strand). VCF-style: chr15-34793278-C-G. GRCh37 (hg19) VCF-style: chr15-35085479-C-G.
Other names: c.421G>C, p.Val141Leu (NM_001406482.1, NM_001406483.1); c.286G>C, p.Val96Leu (NM_001406484.1); c.13+20G>C (NM_001406485.1); short protein forms V141L, V96L.
Identifiers: ClinVar variation 2950652 (VCV002950652.3), dbSNP rs2504182572, ClinGen allele CA391631267.

ClinVar aggregate classification (germline): Uncertain significance (1 of 4 stars; one submission).

Conditions:
Hypertrophic cardiomyopathy 11. Also called: ACTC1-Related Familial Hypertrophic Cardiomyopathy. Identifiers: MedGen C2677506, MONDO:0012799, OMIM 612098.
Dilated cardiomyopathy 1R (CMD1R). Identifiers: Orphanet 154, Orphanet 54260, MedGen C3150681, MONDO:0013261, OMIM 613424.
Atrial septal defect 5 (ASD5). Identifiers: Orphanet 1478, MedGen C2748552, MONDO:0013011, OMIM 612794.

Submission:

Labcorp Genetics (formerly Invitae), Labcorp
Classification: Uncertain significance for Dilated cardiomyopathy 1R; Hypertrophic cardiomyopathy 11; Atrial septal defect 5. Last evaluated: 2023-08-04. Review status: criteria provided, single submitter. Criteria: Invitae Variant Classification Sherloc (09022015). Collection method: clinical testing. Allele origin: germline.
Comment: This sequence change replaces valine, which is neutral and non-polar, with leucine, which is neutral and non-polar, at codon 141 of the ACTC1 protein (p.Val141Leu). This variant is not present in population databases (gnomAD no frequency). This variant has not been reported in the literature in individuals affected with ACTC1-related conditions. Advanced modeling of protein sequence and biophysical properties (such as structural, functional, and spatial information, amino acid conservation, physicochemical variation, residue mobility, and thermodynamic stability) performed at Invitae indicates that this missense variant is not expected to disrupt ACTC1 protein function. In summary, the available evidence is currently insufficient to determine the role of this variant in disease. Therefore, it has been classified as a Variant of Uncertain Significance.